The following is an entry in ClinVar:

NM_004168.4(SDHA):c.1258C>T (p.Gln420Ter)

Gene: SDHA (succinate dehydrogenase complex flavoprotein subunit A; plus strand). Cytogenetic location: 5p15.33.
Variant type: single nucleotide variant.
Coding change: c.1258C>T on transcript NM_004168.4 (MANE Select); coding-DNA position 1258, C replaced by T.
Protein change: p.Gln420Ter; replaces glutamine 420 with a stop codon.
Molecular consequence: nonsense.
Genome position (GRCh38, 1-based): chr5:235,337, C>T. VCF-style: chr5-235337-C-T. GRCh37 (hg19) VCF-style: chr5-235452-C-T.
Other names: c.1114C>T, p.Gln372Ter (NM_001294332.2); c.1258C>T, p.Gln420Ter (NM_001330758.2); short protein forms Q420*, Q372*.
Identifiers: ClinVar variation 639589 (VCV000639589.10), dbSNP rs1579407009, ClinGen allele CA359013780.

ClinVar aggregate classification (germline): Pathogenic. Review status: criteria provided, multiple submitters, no conflicts (2 of 4 stars). 2 submissions from 2 submitters: Pathogenic (2). Last evaluated 2023-11-16.

Conditions:
Pheochromocytoma/paraganglioma syndrome 5. Also called: Paragangliomas 5; SDHA-Related Hereditary Paraganglioma-Pheochromocytoma Syndrome. Identifiers: Orphanet 29072, MedGen C3279992, MONDO:0013602, OMIM 614165.
Mitochondrial complex II deficiency, nuclear type 1. Also called: SUCCINATE CoQ REDUCTASE DEFICIENCY. Identifiers: Orphanet 3208, MedGen C5700310, MONDO:0100294, OMIM 252011.

Submissions (2):

Myriad Genetics, Inc.
Classification: Pathogenic for Pheochromocytoma/paraganglioma syndrome 5. Last evaluated: 2023-11-16. Review status: criteria provided, single submitter. Criteria: Myriad Autosomal Dominant, Autosomal Recessive and X-Linked Classification Criteria (2023). Collection method: clinical testing. Allele origin: unknown.
Comment: This variant is considered pathogenic. This variant creates a termination codon and is predicted to result in premature protein truncation.

Labcorp Genetics (formerly Invitae), Labcorp
Classification: Pathogenic for Pheochromocytoma/paraganglioma syndrome 5; Mitochondrial complex II deficiency, nuclear type 1. Last evaluated: 2022-01-27. Review status: criteria provided, single submitter. Criteria: Invitae Variant Classification Sherloc (09022015). Collection method: clinical testing. Allele origin: germline.
Comment: For these reasons, this variant has been classified as Pathogenic. Algorithms developed to predict the effect of sequence changes on RNA splicing suggest that this variant may create or strengthen a splice site. ClinVar contains an entry for this variant (Variation ID: 639589). This variant has not been reported in the literature in individuals affected with SDHA-related conditions. This variant is not present in population databases (gnomAD no frequency). This sequence change creates a premature translational stop signal (p.Gln420*) in the SDHA gene. It is expected to result in an absent or disrupted protein product. Loss-of-function variants in SDHA are known to be pathogenic (PMID: 22974104, 24781757).

Literature cited by the submitters: PubMed 22974104 (cited by Labcorp Genetics (formerly Invitae), Labcorp); PubMed 24781757 (cited by Labcorp Genetics (formerly Invitae), Labcorp).